The following is an entry in ClinVar:

ClinVar aggregate classification (germline): Conflicting classifications of pathogenicity. Review status: criteria provided, conflicting classifications (1 of 4 stars). 2 submissions from 2 submitters: Uncertain significance (1); Likely benign (1). Last evaluated 2025-06-11.

Conditions:
Hereditary cancer-predisposing syndrome. Also called: Hereditary neoplastic syndrome; Tumor predisposition; Neoplastic Syndromes, Hereditary; Hereditary Cancer Syndrome. Identifiers: Orphanet 140162, MedGen C0027672, MeSH D009386, MONDO:0015356.

Allele frequency attached by ClinVar (database versions not stated): gnomAD exomes below 0.00001; gnomAD 0.00001; TOPMed 0.00001.
gnomAD v4.1: 5 of 1,613,382 alleles (0.00031%); highest among the groups gnomAD compares: East Asian, 0.0022%; no homozygotes.

Submissions (2):

Labcorp Genetics (formerly Invitae), Labcorp
Classification: Uncertain significance. Last evaluated: 2025-06-11. Review status: criteria provided, single submitter. Criteria: Invitae Variant Classification Sherloc (09022015). Collection method: clinical testing. Allele origin: germline.
Comment: This sequence change replaces histidine, which is basic and polar, with arginine, which is basic and polar, at codon 1627 of the POLE protein (p.His1627Arg). This variant is present in population databases (no rsID available, gnomAD 0.003%). This variant has not been reported in the literature in individuals affected with POLE-related conditions. ClinVar contains an entry for this variant (Variation ID: 571308). Invitae Evidence Modeling of protein sequence and biophysical properties (such as structural, functional, and spatial information, amino acid conservation, physicochemical variation, residue mobility, and thermodynamic stability) indicates that this missense variant is not expected to disrupt POLE protein function with a negative predictive value of 80%. In summary, the available evidence is currently insufficient to determine the role of this variant in disease. Therefore, it has been classified as a Variant of Uncertain Significance.

Ambry Genetics
Classification: Likely benign for Hereditary cancer-predisposing syndrome. Last evaluated: 2025-03-28. Review status: criteria provided, single submitter. Criteria: Ambry Variant Classification Scheme 2023. Collection method: clinical testing. Allele origin: germline.

NM_006231.4(POLE):c.4880A>G (p.His1627Arg)

Gene: POLE (DNA polymerase epsilon, catalytic subunit; minus strand). Cytogenetic location: 12q24.33.
Variant type: single nucleotide variant.
Coding change: c.4880A>G on transcript NM_006231.4 (MANE Select); coding-DNA position 4880, A replaced by G.
Protein change: p.His1627Arg; replaces histidine 1627 with arginine.
Molecular consequence: missense variant.
Genome position (GRCh38, 1-based): chr12:132,642,578, T>C on the plus strand (A>G on the coding strand, the complement: POLE is on the minus strand). VCF-style: chr12-132642578-T-C. GRCh37 (hg19) VCF-style: chr12-133219164-T-C.
Other names: c.4880A>G (NM_006231.2); short protein forms H1627R.
Identifiers: ClinVar variation 571308 (VCV000571308.13), dbSNP rs1274894982, ClinGen allele CA387378038.